The following is an entry in ClinVar:

NM_000685.5(AGTR1):c.*135C>T

Gene: AGTR1 (angiotensin II receptor type 1; plus strand). Cytogenetic location: 3q24.
Variant type: single nucleotide variant.
Coding change: c.*135C>T on transcript NM_000685.5 (MANE Select); 135 bases downstream of the stop codon, C replaced by T.
Molecular consequence: 3 prime UTR variant.
Genome position (GRCh38, 1-based): chr3:148,742,250, C>T. VCF-style: chr3-148742250-C-T. GRCh37 (hg19) VCF-style: chr3-148460037-C-T.
Other names: c.*135C>T (NM_001382736.1, NM_001382737.1, NM_004835.5 and 3 more transcripts).
Identifiers: ClinVar variation 343678 (VCV000343678.6), dbSNP rs1799870, ClinGen allele CA2657467.

ClinVar aggregate classification (germline): Benign. Review status: criteria provided, multiple submitters, no conflicts (2 of 4 stars). 2 submissions from 2 submitters: Benign (2). Last evaluated 2018-01-13.

Conditions:
Renal tubular dysgenesis. Also called: Renotubular dysgenesis. Identifiers: Orphanet 3033, MedGen C0266313, MONDO:0017609, HP:0008660.

Allele frequency attached by ClinVar (database versions not stated): gnomAD exomes 0.00148 and 0.00331; ExAC 0.00395; ESP Exome Variant Server 0.01099; gnomAD 0.01318 and 0.01447; 1000 Genomes Project 0.01418; 1000 Genomes Project 30x 0.01452; TOPMed 0.01506.
gnomAD v4.1: 3,787 of 1,257,812 alleles (0.3%); highest among the groups gnomAD compares: African/African-American, 4.5%; 90 homozygotes.

Submissions (2):

Illumina Laboratory Services, Illumina
Classification: Benign for Renal tubular dysgenesis of genetic origin. Last evaluated: 2018-01-13. Review status: criteria provided, single submitter. Criteria: ICSL Variant Classification Criteria 13 December 2019. Collection method: clinical testing. Allele origin: germline.
Comment: This variant was observed in the ICSL laboratory as part of a predisposition screen in an ostensibly healthy population. It had not been previously curated by ICSL or reported in the Human Gene Mutation Database (HGMD: prior to June 1st, 2018), and was therefore a candidate for classification through an automated scoring system. Utilizing variant allele frequency, disease prevalence and penetrance estimates, and inheritance mode, an automated score was calculated to assess if this variant is too frequent to cause the disease. Based on the score and internal cut-off values, a variant classified as benign is not then subjected to further curation. The score for this variant resulted in a classification of benign for this disease.

Breakthrough Genomics
Classification: Benign. Review status: criteria provided, single submitter. Criteria: ACMG Guidelines, 2015. Collection method: not provided. Allele origin: germline. Inheritance: Autosomal recessive inheritance. Affected: yes.